The following is an entry in ClinVar:

NM_020191.4(MRPS22):c.649A>T (p.Thr217Ser)

Gene: MRPS22 (mitochondrial ribosomal protein S22; plus strand). Cytogenetic location: 3q23.
Variant type: single nucleotide variant.
Coding change: c.649A>T on transcript NM_020191.4 (MANE Select); coding-DNA position 649, A replaced by T.
Protein change: p.Thr217Ser; replaces threonine 217 with serine.
Molecular consequence: missense variant.
Genome position (GRCh38, 1-based): chr3:139,350,977, A>T. VCF-style: chr3-139350977-A-T. GRCh37 (hg19) VCF-style: chr3-139069819-A-T.
Other names: c.526A>T, p.Thr176Ser (NM_001363857.1); c.646A>T, p.Thr216Ser (NM_001363893.1); short protein forms T176S, T216S, T217S.
Identifiers: ClinVar variation 2128488 (VCV002128488.4), dbSNP rs923102105, ClinGen allele CA83994735.

ClinVar aggregate classification (germline): Uncertain significance (1 of 4 stars; one submission).

Allele frequency attached by ClinVar (database versions not stated): TOPMed below 0.00001; gnomAD exomes 0.00001.
gnomAD v4.1: 5 of 1,613,640 alleles (0.00031%); highest among the groups gnomAD compares: Non-Finnish European, 0.00042%; no homozygotes.

Submission:

Labcorp Genetics (formerly Invitae), Labcorp
Classification: Uncertain significance. Last evaluated: 2022-04-20. Review status: criteria provided, single submitter. Criteria: Invitae Variant Classification Sherloc (09022015). Collection method: clinical testing. Allele origin: germline.
Comment: This sequence change replaces threonine, which is neutral and polar, with serine, which is neutral and polar, at codon 217 of the MRPS22 protein (p.Thr217Ser). Algorithms developed to predict the effect of missense changes on protein structure and function (SIFT, PolyPhen-2, Align-GVGD) all suggest that this variant is likely to be tolerated. This variant has not been reported in the literature in individuals affected with MRPS22-related conditions. This variant is not present in population databases (gnomAD no frequency). In summary, the available evidence is currently insufficient to determine the role of this variant in disease. Therefore, it has been classified as a Variant of Uncertain Significance.